The following is an entry in ClinVar:

ClinVar aggregate classification (germline): Uncertain significance (1 of 4 stars; one submission).

Allele frequency attached by ClinVar (database versions not stated): TOPMed 0.00001; ExAC 0.00003.
gnomAD v4.1: 8 of 1,575,282 alleles (0.00051%); highest among the groups gnomAD compares: Admixed American, 0.0019%; no homozygotes.

Submission:

Labcorp Genetics (formerly Invitae), Labcorp
Classification: Uncertain significance. Last evaluated: 2024-02-22. Review status: criteria provided, single submitter. Criteria: Invitae Variant Classification Sherloc (09022015). Collection method: clinical testing. Allele origin: germline.
Comment: This sequence change replaces threonine, which is neutral and polar, with methionine, which is neutral and non-polar, at codon 114 of the FGFR3 protein (p.Thr114Met). The frequency data for this variant in the population databases is considered unreliable, as metrics indicate poor data quality at this position in the gnomAD database. This variant has not been reported in the literature in individuals affected with FGFR3-related conditions. Advanced modeling of protein sequence and biophysical properties (such as structural, functional, and spatial information, amino acid conservation, physicochemical variation, residue mobility, and thermodynamic stability) has been performed at Invitae for this missense variant, however the output from this modeling did not meet the statistical confidence thresholds required to predict the impact of this variant on FGFR3 protein function. In summary, the available evidence is currently insufficient to determine the role of this variant in disease. Therefore, it has been classified as a Variant of Uncertain Significance.

NM_000142.5(FGFR3):c.341C>T (p.Thr114Met)

Gene: FGFR3 (fibroblast growth factor receptor 3; plus strand). Cytogenetic location: 4p16.3.
Variant type: single nucleotide variant.
Coding change: c.341C>T on transcript NM_000142.5 (MANE Select); coding-DNA position 341, C replaced by T.
Protein change: p.Thr114Met; replaces threonine 114 with methionine.
Molecular consequence: missense variant. On other transcripts: non-coding transcript variant (1).
Genome position (GRCh38, 1-based): chr4:1,799,485, C>T. VCF-style: chr4-1799485-C-T. GRCh37 (hg19) VCF-style: chr4-1801212-C-T.
Other names: c.341C>T, p.Thr114Met (NM_001163213.2, NM_001354809.2, NM_001354810.2 and 1 more transcripts); short protein forms T114M.
Identifiers: ClinVar variation 2959683 (VCV002959683.3), dbSNP rs779882318, ClinGen allele CA2809771.